The following is an entry in ClinVar:

NM_000399.3(EGR2):c.-455C>G

Genes: EGR2 (early growth response 2; minus strand), LOC130003908 (ATAC-STARR-seq lymphoblastoid silent region 2401; plus strand). Cytogenetic location: 10q21.3.
Variant type: single nucleotide variant.
Coding change: c.-455C>G on transcript NM_000399.3; 455 bases upstream of the start codon, C replaced by G.
Molecular consequence: intron variant (on NM_001136178.2).
Genome position (GRCh38, 1-based): chr10:62,816,484, G>C on the plus strand (C>G on the coding strand, the complement: EGR2 is on the minus strand). VCF-style: chr10-62816484-G-C. GRCh37 (hg19) VCF-style: chr10-64576244-G-C.
Other names: c.-40-415C>G (NM_001136178.2); c.100-515C>G (NM_001410931.1).
Identifiers: ClinVar variation 675950 (VCV000675950.3), dbSNP rs114656728, ClinGen allele CA208353588.

ClinVar aggregate classification (germline): Likely benign (1 of 4 stars; one submission).

Allele frequency attached by ClinVar (database versions not stated): 1000 Genomes Project 30x 0.00765; gnomAD 0.00877 and 0.00957; gnomAD exomes 0.00061; 1000 Genomes Project 0.00799; TOPMed 0.01042.
gnomAD v4.1: 1,620 of 632,218 alleles (0.26%); highest among the groups gnomAD compares: African/African-American, 2.9%; 17 homozygotes.

Submission:

GeneDx
Classification: Likely benign. Last evaluated: 2018-06-16. Review status: criteria provided, single submitter. Criteria: GeneDx Variant Classification (06012015). Collection method: clinical testing. Allele origin: germline. Affected: yes.
Comment: This variant is considered likely benign or benign based on one or more of the following criteria: it is a conservative change, it occurs at a poorly conserved position in the protein, it is predicted to be benign by multiple in silico algorithms, and/or has population frequency not consistent with disease.